The following is an entry in ClinVar:

NM_176787.5(PIGN):c.787C>A (p.His263Asn)

Gene: PIGN (phosphatidylinositol glycan anchor biosynthesis class N; minus strand). Cytogenetic location: 18q21.33.
Variant type: single nucleotide variant.
Coding change: c.787C>A on transcript NM_176787.5 (MANE Select); coding-DNA position 787, C replaced by A.
Protein change: p.His263Asn; replaces histidine 263 with asparagine.
Molecular consequence: missense variant.
Genome position (GRCh38, 1-based): chr18:62,146,989, G>T on the plus strand (C>A on the coding strand, the complement: PIGN is on the minus strand). VCF-style: chr18-62146989-G-T. GRCh37 (hg19) VCF-style: chr18-59814222-G-T.
Other names: c.787C>A, p.His263Asn (NM_012327.6); short protein forms H263N.
Identifiers: ClinVar variation 451428 (VCV000451428.53), dbSNP rs376934090, ClinGen allele CA8982502.

ClinVar aggregate classification (germline): Conflicting classifications of pathogenicity. Review status: criteria provided, conflicting classifications (1 of 4 stars). 6 submissions from 6 submitters: Likely pathogenic (2); Uncertain significance (4). Last evaluated 2025-02-28.

Conditions:
Multiple congenital anomalies-hypotonia-seizures syndrome 1 (MCAHS1). Also called: PIGN-CDG; Congenital disorder of glycosylation due to PIGN deficiency; GLYCOSYLPHOSPHATIDYLINOSITOL BIOSYNTHESIS DEFECT 3. Identifiers: Orphanet 280633, MedGen C3279775, MONDO:0013563, OMIM 614080.

Allele frequency attached by ClinVar (database versions not stated): gnomAD 0.00002 and 0.00003; gnomAD exomes 0.00003; TOPMed 0.00004; ExAC 0.00007; ESP Exome Variant Server 0.00008.
gnomAD v4.1: 29 of 1,611,930 alleles (0.0018%); highest among the groups gnomAD compares: Non-Finnish European, 0.0024%; no homozygotes.

Submissions (6):

GeneDx
Classification: Likely pathogenic. Last evaluated: 2025-02-28. Review status: criteria provided, single submitter. Criteria: GeneDx Variant Classification Process June 2021. Collection method: clinical testing. Allele origin: germline. Affected: yes.
Comment: Not observed at significant frequency in large population cohorts (gnomAD); In silico analysis supports that this missense variant has a deleterious effect on protein structure/function; This variant is associated with the following publications: (PMID: 35179230)

Revvity Omics, Revvity
Classification: Uncertain significance for Multiple congenital anomalies-hypotonia-seizures syndrome 1. Last evaluated: 2024-03-22. Review status: criteria provided, single submitter. Criteria: ACMG Guidelines, 2015. Collection method: clinical testing. Allele origin: germline.

Women's Health and Genetics/Laboratory Corporation of America, LabCorp
Classification: Uncertain significance. Last evaluated: 2023-06-14. Review status: criteria provided, single submitter. Criteria: LabCorp Variant Classification Summary - May 2015. Collection method: clinical testing. Allele origin: germline.
Comment: Variant summary: PIGN c.787C>A (p.His263Asn) results in a conservative amino acid change located in the GPI ethanolamine phosphate transferase 1, N-terminal (IPR037671) of the encoded protein sequence. Four of five in-silico tools predict a damaging effect of the variant on protein function. The variant allele was found at a frequency of 3.2e-05 in 248538 control chromosomes. The available data on variant occurrences in the general population are insufficient to allow any conclusion about variant significance. c.787C>A has been reported in the literature in an individual affected with Epilepsy and Hypotonia (Bayat_2022). This report does not provide unequivocal conclusions about association of the variant with Multiple Congenital Anomalies-Hypotonia Syndrome 1. To our knowledge, no experimental evidence demonstrating an impact on protein function has been reported. The following publication have been ascertained in the context of this evaluation (PMID: 35179230). Four clinical diagnostic laboratories have submitted clinical-significance assessments for this variant to ClinVar after 2014 and classified as VUS (n=2) and likely pathogenic (n=2). Based on the evidence outlined above, the variant was classified as uncertain significance.

CeGaT Center for Human Genetics Tuebingen
Classification: Likely pathogenic. Last evaluated: 2022-05-01. Review status: criteria provided, single submitter. Criteria: CeGaT Center For Human Genetics Tuebingen Variant Classification Criteria Version 2. Collection method: clinical testing. Allele origin: germline. Affected: yes. Observed: 1 variant allele.
Comment: PIGN: PM3:Strong, PM2, PP3

Labcorp Genetics (formerly Invitae), Labcorp
Classification: Uncertain significance for Multiple congenital anomalies-hypotonia-seizures syndrome 1. Last evaluated: 2021-08-28. Review status: criteria provided, single submitter. Criteria: Invitae Variant Classification Sherloc (09022015). Collection method: clinical testing. Allele origin: germline.
Comment: This sequence change replaces histidine with asparagine at codon 263 of the PIGN protein (p.His263Asn). The histidine residue is highly conserved and there is a small physicochemical difference between histidine and asparagine. This variant is present in population databases (rs376934090, ExAC 0.01%). This variant has not been reported in the literature in individuals affected with PIGN-related conditions. ClinVar contains an entry for this variant (Variation ID: 451428). Algorithms developed to predict the effect of missense changes on protein structure and function (SIFT, PolyPhen-2, Align-GVGD) all suggest that this variant is likely to be disruptive. In summary, the available evidence is currently insufficient to determine the role of this variant in disease. Therefore, it has been classified as a Variant of Uncertain Significance.

Eurofins Ntd Llc (ga)
Classification: Uncertain significance. Last evaluated: 2016-10-18. Review status: criteria provided, single submitter. Criteria: EGL Classification Definitions 2015. Collection method: clinical testing. Allele origin: germline. Observed: 1 variant allele, 1 heterozygote.

Literature cited by the submitters: PubMed 35179230 (cited by Women's Health and Genetics/Laboratory Corporation of America, LabCorp).